The following is an entry in ClinVar:

ClinVar aggregate classification (germline): Uncertain significance. Review status: criteria provided, multiple submitters, no conflicts (2 of 4 stars). 4 submissions from 4 submitters: Uncertain significance (3). 1 of the submissions does not count toward it. Last evaluated 2025-03-13.

Conditions:
Hereditary cancer-predisposing syndrome. Also called: Hereditary neoplastic syndrome; Neoplastic Syndromes, Hereditary; Tumor predisposition; Hereditary Cancer Syndrome. Identifiers: Orphanet 140162, MedGen C0027672, MeSH D009386, MONDO:0015356.
Tuberous sclerosis 2 (TSC2). Identifiers: Orphanet 805, MedGen C1860707, MONDO:0013199, OMIM 613254.

gnomAD v4.1: 1 of 1,613,230 alleles (0.000062%); no homozygotes.

Submissions (4):

Ambry Genetics
Classification: Uncertain significance for Hereditary cancer-predisposing syndrome. Last evaluated: 2025-03-13. Review status: criteria provided, single submitter. Criteria: Ambry Variant Classification Scheme 2023. Collection method: clinical testing. Allele origin: germline.
Comment: The p.D925G variant (also known as c.2774A>G), located in coding exon 24 of the TSC2 gene, results from an A to G substitution at nucleotide position 2774. The aspartic acid at codon 925 is replaced by glycine, an amino acid with similar properties. This amino acid position is highly conserved in available vertebrate species. In addition, this alteration is predicted to be deleterious by in silico analysis. Based on the available evidence, the clinical significance of this variant remains unclear.

Labcorp Genetics (formerly Invitae), Labcorp
Classification: Uncertain significance for Tuberous sclerosis 2. Last evaluated: 2024-04-01. Review status: criteria provided, single submitter. Criteria: Invitae Variant Classification Sherloc (09022015). Collection method: clinical testing. Allele origin: germline.
Comment: This sequence change replaces aspartic acid, which is acidic and polar, with glycine, which is neutral and non-polar, at codon 925 of the TSC2 protein (p.Asp925Gly). This variant is not present in population databases (gnomAD no frequency). This variant has not been reported in the literature in individuals affected with TSC2-related conditions. ClinVar contains an entry for this variant (Variation ID: 467967). Advanced modeling of protein sequence and biophysical properties (such as structural, functional, and spatial information, amino acid conservation, physicochemical variation, residue mobility, and thermodynamic stability) performed at Invitae indicates that this missense variant is not expected to disrupt TSC2 protein function with a negative predictive value of 95%. In summary, the available evidence is currently insufficient to determine the role of this variant in disease. Therefore, it has been classified as a Variant of Uncertain Significance.

Genome-Nilou Lab
Classification: Uncertain significance for Tuberous sclerosis 2. Last evaluated: 2021-11-07. Review status: criteria provided, single submitter. Criteria: ACMG Guidelines, 2015. Collection method: clinical testing. Allele origin: germline. Affected: no.

Center for Molecular Medicine, Children’s Hospital of Fudan University
Classification: Likely pathogenic for Tuberous sclerosis 2. Last evaluated: 2022-02-08. Review status: no assertion criteria provided. Collection method: clinical testing. Allele origin: unknown. Affected: yes. Not counted in ClinVar's aggregate classification.

NM_000548.5(TSC2):c.2774A>G (p.Asp925Gly)

Gene: TSC2 (TSC complex subunit 2; plus strand). Cytogenetic location: 16p13.3.
Variant type: single nucleotide variant.
Coding change: c.2774A>G on transcript NM_000548.5 (MANE Select); coding-DNA position 2774, A replaced by G.
Protein change: p.Asp925Gly; replaces aspartic acid 925 with glycine.
Molecular consequence: missense variant.
Genome position (GRCh38, 1-based): chr16:2,076,522, A>G. VCF-style: chr16-2076522-A-G. GRCh37 (hg19) VCF-style: chr16-2126523-A-G.
Other names: c.2774A>G, p.Asp925Gly (NM_001114382.3, NM_001363528.2, NM_001370404.1 and 3 more transcripts); c.2663A>G, p.Asp888Gly (NM_001318827.2); c.2627A>G, p.Asp876Gly (NM_001318829.2); c.2174A>G, p.Asp725Gly (NM_001318831.2); c.2807A>G, p.Asp936Gly (NM_001318832.2); short protein forms D925G, D725G, D888G, D876G, D936G.
Identifiers: ClinVar variation 467967 (VCV000467967.19), dbSNP rs1555508942, ClinGen allele CA394279903.